The following is an entry in ClinVar:

ClinVar aggregate classification (germline): Uncertain significance (1 of 4 stars; one submission).

Conditions:
Immunodeficiency, common variable, 2 (CVID2). Also called: ANTIBODY DEFICIENCY DUE TO TACI DEFECT; HYPOGAMMAGLOBULINEMIA DUE TO TACI DEFICIENCY. Identifiers: Orphanet 1572, MedGen C3150354, MONDO:0009413, OMIM 240500.

Submission:

Labcorp Genetics (formerly Invitae), Labcorp
Classification: Uncertain significance for Immunodeficiency, common variable, 2. Last evaluated: 2022-08-06. Review status: criteria provided, single submitter. Criteria: Invitae Variant Classification Sherloc (09022015). Collection method: clinical testing. Allele origin: germline.
Comment: In summary, the available evidence is currently insufficient to determine the role of this variant in disease. Therefore, it has been classified as a Variant of Uncertain Significance. Algorithms developed to predict the effect of missense changes on protein structure and function (SIFT, PolyPhen-2, Align-GVGD) all suggest that this variant is likely to be tolerated. This variant has not been reported in the literature in individuals affected with TNFRSF13B-related conditions. This variant is not present in population databases (gnomAD no frequency). This sequence change replaces alanine, which is neutral and non-polar, with glycine, which is neutral and non-polar, at codon 183 of the TNFRSF13B protein (p.Ala183Gly).

NM_012452.3(TNFRSF13B):c.548C>G (p.Ala183Gly)

Gene: TNFRSF13B (TNF receptor superfamily member 13B; minus strand). Cytogenetic location: 17p11.2.
Variant type: single nucleotide variant.
Coding change: c.548C>G on transcript NM_012452.3 (MANE Select); coding-DNA position 548, C replaced by G.
Protein change: p.Ala183Gly; replaces alanine 183 with glycine.
Molecular consequence: missense variant.
Genome position (GRCh38, 1-based): chr17:16,940,409, G>C on the plus strand (C>G on the coding strand, the complement: TNFRSF13B is on the minus strand). VCF-style: chr17-16940409-G-C. GRCh37 (hg19) VCF-style: chr17-16843723-G-C.
Other names: short protein forms A183G.
Identifiers: ClinVar variation 1715307 (VCV001715307.5), dbSNP rs2508182038, ClinGen allele CA398519523.